The following continues an entry in ClinVar:

NM_001276345.2(TNNT2):c.862C>T (p.Arg288Cys)

Gene: TNNT2. ClinVar aggregate classification (germline): Likely benign. Likely benign (1).

Literature cited by the submitters, continued: PubMed 28518168 (cited by Ambry Genetics); PubMed 32461654 (cited by Ambry Genetics); PubMed 15958377 (cited by 6 submitters); PubMed 25524337 (cited by 3 submitters); PubMed 11432788 (cited by 3 submitters); PubMed 16777946 (cited by 6 submitters); PubMed 19033660 (cited by 5 submitters); PubMed 24418317 (cited by 6 submitters); PubMed 12974739 (cited by Labcorp Genetics (formerly Invitae), Labcorp); PubMed 20057144 (cited by Labcorp Genetics (formerly Invitae), Labcorp); PubMed 23283745 (cited by Labcorp Genetics (formerly Invitae), Labcorp); PubMed 24793961 (cited by Labcorp Genetics (formerly Invitae), Labcorp and Victorian Clinical Genetics Services, Murdoch Childrens Research Institute); PubMed 10610467 (cited by 6 submitters); PubMed 12860912 (cited by 6 submitters); PubMed 14636924 (cited by 5 submitters); PubMed 16199542 (cited by 5 submitters); PubMed 16715312 (cited by 4 submitters); PubMed 17101185 (cited by 4 submitters); PubMed 19150014 (cited by 5 submitters); PubMed 20031602 (cited by Mayo Clinic Laboratories, Mayo Clinic and Laboratory for Molecular Medicine, Mass General Brigham Personalized Medicine); PubMed 20031618 (cited by 5 submitters); PubMed 23074333 (cited by 3 submitters); PubMed 25637381 (cited by Mayo Clinic Laboratories, Mayo Clinic and Laboratory for Molecular Medicine, Mass General Brigham Personalized Medicine); PubMed 25668678 (cited by Mayo Clinic Laboratories, Mayo Clinic and Laboratory for Molecular Medicine, Mass General Brigham Personalized Medicine); PubMed 26681313 (cited by Mayo Clinic Laboratories, Mayo Clinic); PubMed 26743238 (cited by 3 submitters); PubMed 37432431 (cited by Mayo Clinic Laboratories, Mayo Clinic); PubMed 37652022 (cited by Mayo Clinic Laboratories, Mayo Clinic); PubMed 39347728 (cited by Mayo Clinic Laboratories, Mayo Clinic); PubMed 39486665 (cited by Mayo Clinic Laboratories, Mayo Clinic); PubMed 39633578 (cited by Mayo Clinic Laboratories, Mayo Clinic); PubMed 14563299 (cited by Color Diagnostics, LLC DBA Color Health and Laboratory for Molecular Medicine, Mass General Brigham Personalized Medicine); PubMed 24503780 (cited by Color Diagnostics, LLC DBA Color Health); PubMed 30645170 (cited by Color Diagnostics, LLC DBA Color Health); PubMed 30762279 (cited by Color Diagnostics, LLC DBA Color Health); PubMed 32815737 (cited by Color Diagnostics, LLC DBA Color Health); PubMed 33148509 (cited by Color Diagnostics, LLC DBA Color Health and Laboratory for Molecular Medicine, Mass General Brigham Personalized Medicine); PubMed 35514357 (cited by Color Diagnostics, LLC DBA Color Health and Victorian Clinical Genetics Services, Murdoch Childrens Research Institute); PubMed 36264615 (cited by Color Diagnostics, LLC DBA Color Health); PubMed 37431535 (cited by Color Diagnostics, LLC DBA Color Health); PubMed 38853772 (cited by Color Diagnostics, LLC DBA Color Health); PubMed 21511876 (cited by Women's Health and Genetics/Laboratory Corporation of America, LabCorp and Agnes Ginges Centre for Molecular Cardiology, Centenary Institute); PubMed 28193612 (cited by Women's Health and Genetics/Laboratory Corporation of America, LabCorp); PubMed 29121657 (cited by Women's Health and Genetics/Laboratory Corporation of America, LabCorp); PubMed 28771489 (cited by Women's Health and Genetics/Laboratory Corporation of America, LabCorp); PubMed 28241245 (cited by Women's Health and Genetics/Laboratory Corporation of America, LabCorp); PubMed 21310275 (cited by Laboratory for Molecular Medicine, Mass General Brigham Personalized Medicine); PubMed 20800588 (cited by Laboratory for Molecular Medicine, Mass General Brigham Personalized Medicine); PubMed 26183555 (cited by Laboratory for Molecular Medicine, Mass General Brigham Personalized Medicine); PubMed 27483260 (cited by Laboratory for Molecular Medicine, Mass General Brigham Personalized Medicine); PubMed 18612386 (cited by Victorian Clinical Genetics Services, Murdoch Childrens Research Institute); PubMed 22647877 (cited by Victorian Clinical Genetics Services, Murdoch Childrens Research Institute); PubMed 32098556 (cited by Victorian Clinical Genetics Services, Murdoch Childrens Research Institute); PubMed 32228044 (cited by Victorian Clinical Genetics Services, Murdoch Childrens Research Institute); PubMed 33025817 (cited by Victorian Clinical Genetics Services, Murdoch Childrens Research Institute); PubMed 33297573 (cited by Victorian Clinical Genetics Services, Murdoch Childrens Research Institute); PubMed 34008892 (cited by Laboratory of Medical Genetics, National & Kapodistrian University of Athens); PubMed 22144547 (cited by Agnes Ginges Centre for Molecular Cardiology, Centenary Institute); PubMed 2946667 (cited by OMIM).